The following is an entry in ClinVar:

NM_018055.5(NODAL):c.1039C>T (p.Leu347Phe)

Gene: NODAL (nodal growth differentiation factor; minus strand). Cytogenetic location: 10q22.1.
Variant type: single nucleotide variant.
Coding change: c.1039C>T on transcript NM_018055.5 (MANE Select); coding-DNA position 1039, C replaced by T.
Protein change: p.Leu347Phe; replaces leucine 347 with phenylalanine.
Molecular consequence: missense variant.
Genome position (GRCh38, 1-based): chr10:70,432,941, G>A on the plus strand (C>T on the coding strand, the complement: NODAL is on the minus strand). VCF-style: chr10-70432941-G-A. GRCh37 (hg19) VCF-style: chr10-72192697-G-A.
Other names: c.640C>T, p.Leu214Phe (NM_001329906.2); short protein forms L347F, L214F.
Identifiers: ClinVar variation 2704535 (VCV002704535.3), dbSNP rs987421678, ClinGen allele CA209320460.

ClinVar aggregate classification (germline): Uncertain significance (1 of 4 stars; one submission).

Conditions:
Heterotaxy, visceral, 5, autosomal (HTX5). Also called: Heterotaxy, visceral, 5. Identifiers: Orphanet 450, MedGen C3495537, MONDO:0700112, OMIM 270100.

Allele frequency attached by ClinVar (database versions not stated): gnomAD exomes below 0.00001; gnomAD 0.00001; TOPMed 0.00001.
gnomAD v4.1: 4 of 1,614,030 alleles (0.00025%); highest among the groups gnomAD compares: Non-Finnish European, 0.00034%; no homozygotes.

Submission:

Labcorp Genetics (formerly Invitae), Labcorp
Classification: Uncertain significance for Heterotaxy, visceral, 5, autosomal. Last evaluated: 2024-10-23. Review status: criteria provided, single submitter. Criteria: Invitae Variant Classification Sherloc (09022015). Collection method: clinical testing. Allele origin: germline.
Comment: This sequence change replaces leucine, which is neutral and non-polar, with phenylalanine, which is neutral and non-polar, at codon 347 of the NODAL protein (p.Leu347Phe). This variant is present in population databases (no rsID available, gnomAD 0.002%). This variant has not been reported in the literature in individuals affected with NODAL-related conditions. An algorithm developed to predict the effect of missense changes on protein structure and function (PolyPhen-2) suggests that this variant is likely to be disruptive. In summary, the available evidence is currently insufficient to determine the role of this variant in disease. Therefore, it has been classified as a Variant of Uncertain Significance.